The following is an entry in ClinVar:

ClinVar aggregate classification (germline): Uncertain significance (1 of 4 stars; one submission).

Allele frequency attached by ClinVar (database versions not stated): TOPMed below 0.00001.
gnomAD v4.1: 1 of 1,609,412 alleles (0.000062%); highest among the groups gnomAD compares: Non-Finnish European, 0.000085%; no homozygotes.

Submission:

Labcorp Genetics (formerly Invitae), Labcorp
Classification: Uncertain significance. Last evaluated: 2022-06-04. Review status: criteria provided, single submitter. Criteria: Invitae Variant Classification Sherloc (09022015). Collection method: clinical testing. Allele origin: germline.
Comment: In summary, the available evidence is currently insufficient to determine the role of this variant in disease. Therefore, it has been classified as a Variant of Uncertain Significance. Algorithms developed to predict the effect of sequence changes on RNA splicing suggest that this variant may disrupt the consensus splice site. This variant has not been reported in the literature in individuals affected with ARHGEF10-related conditions. This variant is not present in population databases (gnomAD no frequency). This sequence change affects a donor splice site in intron 11 of the ARHGEF10 gene. It is expected to disrupt RNA splicing. Variants that disrupt the donor or acceptor splice site typically lead to a loss of protein function (PMID: 16199547), however the current clinical and genetic evidence is not sufficient to establish whether loss-of-function variants in ARHGEF10 cause disease.

Literature cited by the submitters: PubMed 16199547.

NM_014629.4(ARHGEF10):c.1182+1G>T

Gene: ARHGEF10 (Rho guanine nucleotide exchange factor 10; plus strand). Cytogenetic location: 8p23.3.
Variant type: single nucleotide variant.
Coding change: c.1182+1G>T on transcript NM_014629.4 (MANE Select); the canonical splice donor site of the intron after coding-DNA position 1182, G replaced by T.
Molecular consequence: splice donor variant.
Genome position (GRCh38, 1-based): chr8:1,885,708, G>T. VCF-style: chr8-1885708-G-T. GRCh37 (hg19) VCF-style: chr8-1833874-G-T.
Other names: c.1068+1G>T (NM_001438094.1, NM_001438092.1, NM_001308152.2); c.1065+1G>T (NM_001438093.1); c.1185+1G>T (NM_001308153.3, NM_001438091.1).
Identifiers: ClinVar variation 2038206 (VCV002038206.4), dbSNP rs918912831, ClinGen allele CA170595497.